The following is an entry in ClinVar:

NM_201596.3(CACNB2):c.1844A>C (p.Glu615Ala)

Gene: CACNB2 (calcium voltage-gated channel auxiliary subunit beta 2; plus strand). Cytogenetic location: 10p12.31.
Variant type: single nucleotide variant.
Coding change: c.1844A>C on transcript NM_201596.3 (MANE Select); coding-DNA position 1844, A replaced by C.
Protein change: p.Glu615Ala; replaces glutamic acid 615 with alanine.
Molecular consequence: missense variant.
Genome position (GRCh38, 1-based): chr10:18,539,585, A>C. VCF-style: chr10-18539585-A-C. GRCh37 (hg19) VCF-style: chr10-18828514-A-C.
Other names: c.1679A>C, p.Glu560Ala (NM_000724.4); c.1646A>C, p.Glu549Ala (NM_001167945.2); c.1565A>C, p.Glu522Ala (NM_001330060.2); c.1700A>C, p.Glu567Ala (NM_201570.3); c.1760A>C, p.Glu587Ala (NM_201571.4); c.1688A>C, p.Glu563Ala (NM_201572.4); c.1682A>C, p.Glu561Ala (NM_201590.3); c.1730A>C, p.Glu577Ala (NM_201593.3); and 2 more; short protein forms E560A, E567A, E615A, E577A, E587A, E549A, E561A, E563A.
Identifiers: ClinVar variation 1383974 (VCV001383974.8), dbSNP rs1564678668, ClinGen allele CA376072567.

ClinVar aggregate classification (germline): Uncertain significance. Review status: criteria provided, multiple submitters, no conflicts (2 of 4 stars). 3 submissions from 3 submitters: Uncertain significance (3). Last evaluated 2026-01-10.

Conditions:
Cardiovascular phenotype. Identifiers: MedGen CN230736.
Brugada syndrome 4 (BRGDA4). Identifiers: Orphanet 130, MedGen C2678477, MONDO:0012743, OMIM 611876.

Allele frequency attached by ClinVar (database versions not stated): gnomAD exomes below 0.00001 and 0.00001; TOPMed 0.00001.
gnomAD v4.1: 18 of 1,613,918 alleles (0.0011%); highest among the groups gnomAD compares: Non-Finnish European, 0.0015%; no homozygotes.

Submissions (3):

Women's Health and Genetics/Laboratory Corporation of America, LabCorp
Classification: Uncertain significance. Last evaluated: 2026-01-10. Review status: criteria provided, single submitter. Criteria: LabCorp Variant Classification Summary - May 2015. Collection method: clinical testing. Allele origin: germline.

Ambry Genetics
Classification: Uncertain significance for Cardiovascular phenotype. Last evaluated: 2023-04-07. Review status: criteria provided, single submitter. Criteria: Ambry Variant Classification Scheme 2023. Collection method: clinical testing. Allele origin: germline.
Comment: The p.E561A variant (also known as c.1682A>C), located in coding exon 13 of the CACNB2 gene, results from an A to C substitution at nucleotide position 1682. The glutamic acid at codon 561 is replaced by alanine, an amino acid with dissimilar properties. This amino acid position is conserved. In addition, the in silico prediction for this alteration is inconclusive. Since supporting evidence is limited at this time, the clinical significance of this alteration remains unclear.

Labcorp Genetics (formerly Invitae), Labcorp
Classification: Uncertain significance for Brugada syndrome 4. Last evaluated: 2021-12-01. Review status: criteria provided, single submitter. Criteria: Invitae Variant Classification Sherloc (09022015). Collection method: clinical testing. Allele origin: germline.
Comment: This sequence change replaces glutamic acid, which is acidic and polar, with alanine, which is neutral and non-polar, at codon 561 of the CACNB2 protein (p.Glu561Ala). This variant is not present in population databases (gnomAD no frequency). This variant has not been reported in the literature in individuals affected with CACNB2-related conditions. Algorithms developed to predict the effect of missense changes on protein structure and function are either unavailable or do not agree on the potential impact of this missense change (SIFT: "Tolerated"; PolyPhen-2: "Possibly Damaging"; Align-GVGD: "Class C0"). In summary, the available evidence is currently insufficient to determine the role of this variant in disease. Therefore, it has been classified as a Variant of Uncertain Significance.